The following is an entry in ClinVar:

NM_002772.3(TMPRSS15):c.322A>G (p.Asn108Asp)

Gene: TMPRSS15 (transmembrane serine protease 15; minus strand). Cytogenetic location: 21q21.1.
Variant type: single nucleotide variant.
Coding change: c.322A>G on transcript NM_002772.3 (MANE Select); coding-DNA position 322, A replaced by G.
Protein change: p.Asn108Asp; replaces asparagine 108 with aspartic acid.
Molecular consequence: missense variant.
Genome position (GRCh38, 1-based): chr21:18,397,901, T>C on the plus strand (A>G on the coding strand, the complement: TMPRSS15 is on the minus strand). VCF-style: chr21-18397901-T-C. GRCh37 (hg19) VCF-style: chr21-19770218-T-C.
Other names: c.322A>G (NM_002772.2); short protein forms N108D.
Identifiers: ClinVar variation 2071294 (VCV002071294.2), dbSNP rs141964857, ClinGen allele CA9984800.

ClinVar aggregate classification (germline): Uncertain significance. Review status: criteria provided, multiple submitters, no conflicts (2 of 4 stars). 2 submissions from 2 submitters: Uncertain significance (2). Last evaluated 2024-10-22.

Allele frequency attached by ClinVar (database versions not stated): gnomAD exomes 0.00005; TOPMed 0.00009; gnomAD 0.00011; ExAC 0.00018.
gnomAD v4.1: 91 of 1,552,970 alleles (0.0059%); highest among the groups gnomAD compares: Middle Eastern, 0.018%; no homozygotes.

Submissions (2):

Ambry Genetics
Classification: Uncertain significance. Last evaluated: 2024-10-22. Review status: criteria provided, single submitter. Criteria: Ambry Variant Classification Scheme 2023. Collection method: clinical testing. Allele origin: germline.

Labcorp Genetics (formerly Invitae), Labcorp
Classification: Uncertain significance. Last evaluated: 2022-03-24. Review status: criteria provided, single submitter. Criteria: Invitae Variant Classification Sherloc (09022015). Collection method: clinical testing. Allele origin: germline.
Comment: This sequence change replaces asparagine, which is neutral and polar, with aspartic acid, which is acidic and polar, at codon 108 of the TMPRSS15 protein (p.Asn108Asp). This variant is present in population databases (rs141964857, gnomAD 0.01%). This variant has not been reported in the literature in individuals affected with TMPRSS15-related conditions. Algorithms developed to predict the effect of missense changes on protein structure and function are either unavailable or do not agree on the potential impact of this missense change (SIFT: "Not Available"; PolyPhen-2: "Benign"; Align-GVGD: "Not Available"). In summary, the available evidence is currently insufficient to determine the role of this variant in disease. Therefore, it has been classified as a Variant of Uncertain Significance.